The following is an entry in ClinVar:

NM_000815.5(GABRD):c.604C>G (p.His202Asp)

Gene: GABRD (gamma-aminobutyric acid type A receptor subunit delta; plus strand). Cytogenetic location: 1p36.33.
Variant type: single nucleotide variant.
Coding change: c.604C>G on transcript NM_000815.5 (MANE Select); coding-DNA position 604, C replaced by G.
Protein change: p.His202Asp; replaces histidine 202 with aspartic acid.
Molecular consequence: missense variant.
Genome position (GRCh38, 1-based): chr1:2,028,205, C>G. VCF-style: chr1-2028205-C-G. GRCh37 (hg19) VCF-style: chr1-1959644-C-G.
Other names: short protein forms H202D.
Identifiers: ClinVar variation 2872227 (VCV002872227.3), dbSNP rs768396581, ClinGen allele CA534727.

ClinVar aggregate classification (germline): Uncertain significance (1 of 4 stars; one submission).

Conditions:
Idiopathic generalized epilepsy. Also called: Generalised epilepsy; EIG. Identifiers: MedGen C0270850, MONDO:0005579, OMIM 600669.

Allele frequency attached by ClinVar (database versions not stated): ExAC 0.00001.

Submission:

Labcorp Genetics (formerly Invitae), Labcorp
Classification: Uncertain significance for Idiopathic generalized epilepsy. Last evaluated: 2023-11-15. Review status: criteria provided, single submitter. Criteria: Invitae Variant Classification Sherloc (09022015). Collection method: clinical testing. Allele origin: germline.
Comment: This sequence change replaces histidine, which is basic and polar, with aspartic acid, which is acidic and polar, at codon 202 of the GABRD protein (p.His202Asp). This variant is present in population databases (rs768396581, gnomAD 0.006%). This variant has not been reported in the literature in individuals affected with GABRD-related conditions. An algorithm developed to predict the effect of missense changes on protein structure and function (PolyPhen-2) suggests that this variant is likely to be tolerated. In summary, the available evidence is currently insufficient to determine the role of this variant in disease. Therefore, it has been classified as a Variant of Uncertain Significance.